The following is an entry in ClinVar:

ClinVar aggregate classification (germline): Benign (0 of 4 stars; one submission).

Conditions:
FAT3-related disorder. Also called: FAT3-related condition.

Allele frequency attached by ClinVar (database versions not stated): 1000 Genomes Project 0.01298; 1000 Genomes Project 30x 0.01312; TOPMed 0.01809; gnomAD 0.01812; ExAC 0.02019; ESP Exome Variant Server 0.02089; gnomAD exomes 0.02559.
gnomAD v4.1: 40,119 of 1,613,510 alleles (2.5%); highest among the groups gnomAD compares: Non-Finnish European, 2.9%; 573 homozygotes.

Submission:

PreventionGenetics, part of Exact Sciences
Classification: Benign for FAT3-related condition. Last evaluated: 2019-02-20. Review status: no assertion criteria provided. Collection method: clinical testing. Allele origin: germline.
Comment: This variant is classified as benign based on ACMG/AMP sequence variant interpretation guidelines (Richards et al. 2015 PMID: 25741868, with internal and published modifications).

NM_001367949.2(FAT3):c.3684T>C (p.Asp1228=)

Gene: FAT3 (FAT atypical cadherin 3; plus strand). Cytogenetic location: 11q14.3.
Variant type: single nucleotide variant.
Coding change: c.3684T>C on transcript NM_001367949.2 (MANE Select); coding-DNA position 3684, T replaced by C.
Protein change: p.Asp1228=; no amino-acid change (aspartic acid 1228 retained).
Molecular consequence: synonymous variant.
Genome position (GRCh38, 1-based): chr11:92,761,870, T>C. VCF-style: chr11-92761870-T-C. GRCh37 (hg19) VCF-style: chr11-92495036-T-C.
Other names: c.3684T>C, p.Asp1228= (NM_001008781.3).
Identifiers: ClinVar variation 3057150 (VCV003057150.2), dbSNP rs72962460, ClinGen allele CA6226745.